The following is an entry in ClinVar:

ClinVar aggregate classification (germline): Uncertain significance (1 of 4 stars; one submission).

gnomAD v4.1: 2 of 1,538,128 alleles (0.00013%); highest among the groups gnomAD compares: Non-Finnish European, 0.000088%; no homozygotes.

Submission:

Labcorp Genetics (formerly Invitae), Labcorp
Classification: Uncertain significance. Last evaluated: 2021-10-29. Review status: criteria provided, single submitter. Criteria: Invitae Variant Classification Sherloc (09022015). Collection method: clinical testing. Allele origin: germline.
Comment: In summary, the available evidence is currently insufficient to determine the role of this variant in disease. Therefore, it has been classified as a Variant of Uncertain Significance. Algorithms developed to predict the effect of missense changes on protein structure and function output the following: SIFT: "Tolerated"; PolyPhen-2: "Benign"; Align-GVGD: "Class C0". The isoleucine amino acid residue is found in multiple mammalian species, which suggests that this missense change does not adversely affect protein function. This variant has not been reported in the literature in individuals affected with ZNF469-related conditions. This variant is not present in population databases (gnomAD no frequency). This sequence change replaces valine, which is neutral and non-polar, with isoleucine, which is neutral and non-polar, at codon 3336 of the ZNF469 protein (p.Val3336Ile).

NM_001367624.2(ZNF469):c.10090G>A (p.Val3364Ile)

Genes: ZNF469 (zinc finger protein 469; plus strand), LOC130059719 (ATAC-STARR-seq lymphoblastoid silent region 7848; plus strand). Cytogenetic location: 16q24.2.
Variant type: single nucleotide variant.
Coding change: c.10090G>A on transcript NM_001367624.2 (MANE Select); coding-DNA position 10090, G replaced by A.
Protein change: p.Val3364Ile; replaces valine 3364 with isoleucine.
Molecular consequence: missense variant.
Genome position (GRCh38, 1-based): chr16:88,437,560, G>A. VCF-style: chr16-88437560-G-A. GRCh37 (hg19) VCF-style: chr16-88503968-G-A.
Other names: short protein forms V3364I.
Identifiers: ClinVar variation 1405394 (VCV001405394.6), dbSNP rs1295579555, ClinGen allele CA397125653.